The following is an entry in ClinVar:

NM_014425.5(INVS):c.524T>C (p.Ile175Thr)

Gene: INVS (inversin; plus strand). Cytogenetic location: 9q31.1.
Variant type: single nucleotide variant.
Coding change: c.524T>C on transcript NM_014425.5 (MANE Select); coding-DNA position 524, T replaced by C.
Protein change: p.Ile175Thr; replaces isoleucine 175 with threonine.
Molecular consequence: missense variant. On other transcripts: 5 prime UTR variant (1), non-coding transcript variant (1).
Genome position (GRCh38, 1-based): chr9:100,229,736, T>C. VCF-style: chr9-100229736-T-C. GRCh37 (hg19) VCF-style: chr9-102992018-T-C.
Other names: p.Ile175Thr; c.236T>C, p.Ile79Thr (NM_001318381.2); c.-466T>C (NM_001318382.2); c.524T>C (NM_014425.2); short protein forms I175T, I79T.
Identifiers: ClinVar variation 1003205 (VCV001003205.10), dbSNP rs766187142, ClinGen allele CA5158184.

ClinVar aggregate classification (germline): Uncertain significance. Review status: criteria provided, multiple submitters, no conflicts (2 of 4 stars). 5 submissions from 5 submitters: Uncertain significance (5). Last evaluated 2025-08-24.

Conditions:
Infantile nephronophthisis (NPHP2). Also called: Nephronophthisis 2, infantile; Nephronophthisis 2. Identifiers: Orphanet 655, Orphanet 93591, MedGen C1865872, MONDO:0011190, OMIM 602088.
Nephronophthisis. Also called: Juvenile Nephronophthisis. Identifiers: Orphanet 655, MedGen C0687120, MONDO:0019005, HP:0000090.
Inborn genetic diseases. Identifiers: MedGen C0950123, MeSH D030342.

Allele frequency attached by ClinVar (database versions not stated): ExAC 0.00001; gnomAD exomes 0.00002; TOPMed 0.00004; gnomAD 0.00005.
gnomAD v4.1: 114 of 1,613,888 alleles (0.0071%); highest among the groups gnomAD compares: Non-Finnish European, 0.0089%; no homozygotes.

Submissions (5):

Ambry Genetics
Classification: Uncertain significance for Inborn genetic diseases. Last evaluated: 2025-08-24. Review status: criteria provided, single submitter. Criteria: Ambry Variant Classification Scheme 2023. Collection method: clinical testing. Allele origin: germline.

Labcorp Genetics (formerly Invitae), Labcorp
Classification: Uncertain significance for Nephronophthisis. Last evaluated: 2024-12-02. Review status: criteria provided, single submitter. Criteria: Invitae Variant Classification Sherloc (09022015). Collection method: clinical testing. Allele origin: germline.
Comment: This sequence change replaces isoleucine, which is neutral and non-polar, with threonine, which is neutral and polar, at codon 175 of the INVS protein (p.Ile175Thr). This variant is present in population databases (rs766187142, gnomAD 0.005%). This variant has not been reported in the literature in individuals affected with INVS-related conditions. ClinVar contains an entry for this variant (Variation ID: 1003205). An algorithm developed to predict the effect of missense changes on protein structure and function (PolyPhen-2) suggests that this variant is likely to be disruptive. In summary, the available evidence is currently insufficient to determine the role of this variant in disease. Therefore, it has been classified as a Variant of Uncertain Significance.

Blueprint Genetics
Classification: Uncertain significance. Last evaluated: 2024-06-25. Review status: criteria provided, single submitter. Criteria: ACMG Guidelines, 2015. Collection method: clinical testing. Allele origin: germline.

Fulgent Genetics
Classification: Uncertain significance for Infantile nephronophthisis. Last evaluated: 2024-03-16. Review status: criteria provided, single submitter. Criteria: ACMG Guidelines, 2015. Collection method: clinical testing. Allele origin: germline.

Mayo Clinic Laboratories, Mayo Clinic
Classification: Uncertain significance. Last evaluated: 2023-12-19. Review status: criteria provided, single submitter. Criteria: ACMG Guidelines, 2015. Collection method: clinical testing. Allele origin: germline. Observed: 1 variant allele.
Comment: PM2_moderate